The following is an entry in ClinVar:

NM_001077653.2(TBX20):c.496C>T (p.Arg166Trp)

Gene: TBX20 (T-box transcription factor 20; minus strand). Cytogenetic location: 7p14.2.
Variant type: single nucleotide variant.
Coding change: c.496C>T on transcript NM_001077653.2 (MANE Select); coding-DNA position 496, C replaced by T.
Protein change: p.Arg166Trp; replaces arginine 166 with tryptophan.
Molecular consequence: missense variant.
Genome position (GRCh38, 1-based): chr7:35,248,726, G>A on the plus strand (C>T on the coding strand, the complement: TBX20 is on the minus strand). VCF-style: chr7-35248726-G-A. GRCh37 (hg19) VCF-style: chr7-35288338-G-A.
Other names: c.496C>T, p.Arg166Trp (NM_001166220.1); short protein forms R166W.
Identifiers: ClinVar variation 2863533 (VCV002863533.5), dbSNP rs1160642834, ClinGen allele CA367264613.

ClinVar aggregate classification (germline): Uncertain significance. Review status: criteria provided, multiple submitters, no conflicts (2 of 4 stars). 2 submissions from 2 submitters: Uncertain significance (2). Last evaluated 2026-09-13.

Conditions:
Cardiovascular phenotype. Identifiers: MedGen CN230736.

Allele frequency attached by ClinVar (database versions not stated): TOPMed below 0.00001.

Submissions (2):

Ambry Genetics
Classification: Uncertain significance for Cardiovascular phenotype. Last evaluated: 2026-09-13. Review status: criteria provided, single submitter. Criteria: Ambry Variant Classification Scheme 2023. Collection method: clinical testing. Allele origin: germline.
Comment: The p.R166W variant (also known as c.496C>T), located in coding exon 3 of the TBX20 gene, results from a C to T substitution at nucleotide position 496. The arginine at codon 166 is replaced by tryptophan, an amino acid with dissimilar properties. This amino acid position is conserved. In addition, this alteration is predicted to be deleterious by in silico analysis. Based on the available evidence, the clinical significance of this variant remains unclear.

Labcorp Genetics (formerly Invitae), Labcorp
Classification: Uncertain significance. Last evaluated: 2023-10-23. Review status: criteria provided, single submitter. Criteria: Invitae Variant Classification Sherloc (09022015). Collection method: clinical testing. Allele origin: germline.
Comment: This sequence change replaces arginine, which is basic and polar, with tryptophan, which is neutral and slightly polar, at codon 166 of the TBX20 protein (p.Arg166Trp). This variant is present in population databases (no rsID available, gnomAD 0.0009%). This variant has not been reported in the literature in individuals affected with TBX20-related conditions. Advanced modeling of protein sequence and biophysical properties (such as structural, functional, and spatial information, amino acid conservation, physicochemical variation, residue mobility, and thermodynamic stability) performed at Invitae indicates that this missense variant is expected to disrupt TBX20 protein function. In summary, the available evidence is currently insufficient to determine the role of this variant in disease. Therefore, it has been classified as a Variant of Uncertain Significance.